The following is an entry in ClinVar:

NM_004104.5(FASN):c.810G>T (p.Glu270Asp)

Gene: FASN (fatty acid synthase; minus strand). Cytogenetic location: 17q25.3.
Variant type: single nucleotide variant.
Coding change: c.810G>T on transcript NM_004104.5 (MANE Select); coding-DNA position 810, G replaced by T.
Protein change: p.Glu270Asp; replaces glutamic acid 270 with aspartic acid.
Molecular consequence: missense variant.
Genome position (GRCh38, 1-based): chr17:82,092,781, C>A on the plus strand (G>T on the coding strand, the complement: FASN is on the minus strand). VCF-style: chr17-82092781-C-A. GRCh37 (hg19) VCF-style: chr17-80050657-C-A.
Other names: short protein forms E270D.
Identifiers: ClinVar variation 1391002 (VCV001391002.6), dbSNP rs750411892, ClinGen allele CA401563007.
Genomic context (GRCh38, chr17:82,092,781, plus strand): 5'-GATGTATTCAAATGACTCAGGGGCCACTCCGGCCGACTGGTACAACGAGCGGATGAGCTG[C>A]TCCTGGATATCCCCTGAGGGGAAGGTCACGCCTGCGGAGGGCTCGGCTCAGTGCTGCAGC-3'
Protein context (NP_004095.4, residues 260-280): GVTFPSGDIQ[Glu270Asp]QLIRSLYQSA

ClinVar aggregate classification (germline): Uncertain significance (1 of 4 stars; one submission).

Conditions:
Epileptic encephalopathy. Identifiers: MedGen C0543888, HP:0200134.

Submission:

Labcorp Genetics (formerly Invitae), Labcorp
Classification: Uncertain significance for Epileptic encephalopathy. Last evaluated: 2021-11-03. Review status: criteria provided, single submitter. Criteria: Invitae Variant Classification Sherloc (09022015). Collection method: clinical testing. Allele origin: germline.
Comment: This sequence change replaces glutamic acid, which is acidic and polar, with aspartic acid, which is acidic and polar, at codon 270 of the FASN protein (p.Glu270Asp). In summary, the available evidence is currently insufficient to determine the role of this variant in disease. Therefore, it has been classified as a Variant of Uncertain Significance. Algorithms developed to predict the effect of missense changes on protein structure and function (SIFT, PolyPhen-2, Align-GVGD) all suggest that this variant is likely to be tolerated. This variant has not been reported in the literature in individuals affected with FASN-related conditions. This variant is not present in population databases (gnomAD no frequency).